The following is an entry in ClinVar:

ClinVar aggregate classification (germline): Conflicting classifications of pathogenicity. Review status: criteria provided, conflicting classifications (1 of 4 stars). 11 submissions from 11 submitters: Pathogenic (3); Likely pathogenic (6); Uncertain significance (2). Last evaluated 2025-11-06.

Conditions:
Autosomal recessive polycystic kidney disease (ARPKD). Also called: AR polycystic kidney disease. Identifiers: Orphanet 731, Orphanet 8378, MedGen C0085548, MeSH D017044, MONDO:0009889.
Polycystic kidney disease 4 (PKD4). Also called: POLYCYSTIC KIDNEY DISEASE 4 WITH OR WITHOUT POLYCYSTIC LIVER DISEASE; Autosomal Recessive Polycystic Kidney Disease – PKHD1; PKD3; POLYCYSTIC KIDNEY AND HEPATIC DISEASE 1; POLYCYSTIC KIDNEY DISEASE, INFANTILE, TYPE I. Identifiers: MedGen C4540575, MONDO:0033004, OMIM 263200.

Allele frequency attached by ClinVar (database versions not stated): TOPMed 0.00001; gnomAD 0.00002 and 0.00003; gnomAD exomes 0.00002.
gnomAD v4.1: 31 of 1,613,668 alleles (0.0019%); highest among the groups gnomAD compares: Admixed American, 0.01%; no homozygotes.

Submissions (11):

Natera, Inc.
Classification: Pathogenic for Autosomal recessive polycystic kidney disease. Last evaluated: 2025-11-06. Review status: criteria provided, single submitter. Criteria: Natera Variant Classification Schema (03/2026). Collection method: clinical testing. Allele origin: germline.
Comment: The c.9107T>G variant in PKHD1 is a missense variant predicted to cause substitution of valine to glycine at amino acid 3036. This variant is rare in the general population with a frequency below the threshold expected for the associated phenotype(s). This variant has been observed in one or more individuals affected with the associated recessive disease, as either homozygous or compound heterozygous with a second variant (PMID: 34536170, 31328266, 33532864, 27225849, 33940108, 15805161). Computational prediction algorithms indicate this variant is likely to affect gene or protein function. Given the available evidence, this variant is classified as Pathogenic.

Immunogenetics and Transplant Biology Service, University Hospital "Città della Salute e della Scienza di Torino"
Classification: Likely pathogenic for Polycystic kidney disease 4. Last evaluated: 2025-06-28. Review status: criteria provided, single submitter. Criteria: ACMG Guidelines, 2015. Collection method: clinical testing. Allele origin: germline. Affected: yes.

Dasa
Classification: Likely pathogenic. Last evaluated: 2025-03-10. Review status: criteria provided, single submitter. Criteria: DASA Assertion Criteria. Collection method: clinical testing. Allele origin: germline.
Comment: NM_138694.4(PKHD1):c.9107T>G (p.Val3036Gly) is a missense variant that results in the substitution of valine with glycine. This variant has been observed in affected individuals with related phenotype in a genotype context consistent with recessive disease (PMID: 27225849; PMID: 33123899; PMID: 34536170; PMID: 31328266). This variant has been recurrently observed in individuals with related phenotype (PMID: 27225849; PMID: 33123899; PMID: 34536170; PMID: 31328266). The variant is present at low frequency in population datasets. Based on the available data, this variant is classified as likely pathogenic.

Fulgent Genetics
Classification: Likely pathogenic for Polycystic kidney disease 4. Last evaluated: 2024-03-05. Review status: criteria provided, single submitter. Criteria: ACMG Guidelines, 2015. Collection method: clinical testing. Allele origin: germline.

Women's Health and Genetics/Laboratory Corporation of America, LabCorp
Classification: Pathogenic for Autosomal recessive polycystic kidney disease. Last evaluated: 2024-01-13. Review status: criteria provided, single submitter. Criteria: LabCorp Variant Classification Summary - May 2015. Collection method: clinical testing. Allele origin: germline.
Comment: Variant summary: PKHD1 c.9107T>G (p.Val3036Gly) results in a non-conservative amino acid change located in the Right handed beta helix domain (IPR039448) of the encoded protein sequence. Three of five in-silico tools predict a damaging effect of the variant on protein function. The variant allele was found at a frequency of 2.4e-05 in 250770 control chromosomes. c.9107T>G has been reported in the literature in multiple individuals affected with Autosomal Recessive Polycystic Kidney (example, Domingo-Gallego_2021, Furu_2003, Ishiko_2022, Melchionda_2016, Rao_2019). These data indicate that the variant is very likely to be associated with disease. To our knowledge, no experimental evidence demonstrating an impact on protein function has been reported. The following publications have been ascertained in the context of this evaluation (PMID: 33532864, 12874454, 34536170, 27225849, 31328266). ClinVar contains an entry for this variant (Variation ID: 594333. Pathogenic/Likely pathogenic, n=5; VUS, n=2). Based on the evidence outlined above, the variant was classified as pathogenic.

Labcorp Genetics (formerly Invitae), Labcorp
Classification: Pathogenic for Autosomal recessive polycystic kidney disease. Last evaluated: 2023-10-30. Review status: criteria provided, single submitter. Criteria: Invitae Variant Classification Sherloc (09022015). Collection method: clinical testing. Allele origin: germline.
Comment: This sequence change replaces valine, which is neutral and non-polar, with glycine, which is neutral and non-polar, at codon 3036 of the PKHD1 protein (p.Val3036Gly). This variant is present in population databases (no rsID available, gnomAD 0.01%). This missense change has been observed in individual(s) with polycystic kidney disease (PMID: 27225849, 33123899, 33532864, 33940108). In at least one individual the data is consistent with being in trans (on the opposite chromosome) from a pathogenic variant. ClinVar contains an entry for this variant (Variation ID: 594333). Advanced modeling of protein sequence and biophysical properties (such as structural, functional, and spatial information, amino acid conservation, physicochemical variation, residue mobility, and thermodynamic stability) has been performed at Invitae for this missense variant, however the output from this modeling did not meet the statistical confidence thresholds required to predict the impact of this variant on PKHD1 protein function. For these reasons, this variant has been classified as Pathogenic.

Myriad Genetics, Inc.
Classification: Likely pathogenic for Polycystic kidney disease 4. Last evaluated: 2021-10-20. Review status: criteria provided, single submitter. Criteria: Myriad Women's Health Autosomal Recessive and X-Linked Classification Criteria (2021). Collection method: clinical testing. Allele origin: unknown.
Comment: NM_138694.3(PKHD1):c.9107T>G(V3036G) is a missense variant classified as likely pathogenic in the context of autosomal recessive polycystic kidney disease, PKHD1-related. V3036G has been observed in cases with relevant disease (PMID: 27225849, 33532864, 33940108, 12874454, No PMID_Guomin_2017). Functional assessments of this variant are not available in the literature. V3036G has been observed in population frequency databases (gnomAD: OTH 0.02%). In summary, NM_138694.3(PKHD1):c.9107T>G(V3036G) is a missense variant that has been observed more frequently in cases with the relevant disease than in healthy populations. Please note: this variant was assessed in the context of healthy population screening.

Pars Genome Lab
Classification: Uncertain significance for Polycystic kidney disease 4. Last evaluated: 2021-05-18. Review status: criteria provided, single submitter. Criteria: ACMG Guidelines, 2015. Collection method: clinical testing. Allele origin: germline. Affected: no.

Victorian Clinical Genetics Services, Murdoch Childrens Research Institute
Classification: Likely pathogenic for Polycystic kidney disease 4. Last evaluated: 2020-05-26. Review status: criteria provided, single submitter. Criteria: ACMG Guidelines, 2015. Collection method: clinical testing. Allele origin: germline. Inheritance: Autosomal recessive inheritance. Affected: yes.
Comment: Based on the classification scheme VCGS_Germline_v1.1.1, this variant is classified as Likely pathogenic. Following criteria are met: 0102 - Loss-of-function is a known mechanism of disease for this gene. (N) 0106 - This gene is known to be associated with autosomal recessive disease. (N) 0200 - Variant is predicted to result in a missense amino acid change from valine to glycine (exon 58). (N) 0251 - Variant is heterozygous. (N) 0304 - Variant is present in gnomAD <0.01 for a recessive condition (8 heterozygotes, 0 homozygotes). (P) 0309 - Alternative amino acid changes at the same position have been observed in gnomAD; p.(Val3036Ile) (1 heterozygote, 0 homozygotes), p.(Val3036Leu) (2 heterozygotes, 0 homozygotes). (N) 0502 - Missense variant with conflicting in silico predictions and low conservation. (N) 0600 - Variant is located in an annotated domain or motif (right handed beta helix region; NCBI, PDB). (N) 0705 - No comparable variants have previous evidence for pathogenicity. (N) 0803 - Low previous evidence of pathogenicity in unrelated individuals. This variant has been reported in individuals with ARPKD (PMIDs: 27225849, 15805161). (P) 0905 - No segregation evidence has been identified for this variant. (N) 1007 - No published functional evidence has been identified for this variant. (N) 1102 - Strong phenotype match. (P) 1201 - Heterozygous variant detected in trans with a second (at least likely) pathogenic heterozygous variant in a recessive disease. (N) Legend: (P) - Pathogenic, (N) - Neutral, (B) – Benign

Molecular Biology Laboratory, Fundació Puigvert
Classification: Likely pathogenic for Polycystic kidney disease 4. Last evaluated: 2020-02-01. Review status: criteria provided, single submitter. Criteria: ACMG Guidelines, 2015. Collection method: research. Allele origin: germline. Affected: yes. Study: KidneyPanel_2020.

Eurofins Ntd Llc (ga)
Classification: Uncertain significance. Last evaluated: 2017-10-12. Review status: criteria provided, single submitter. Criteria: EGL Classification Definitions 2015. Collection method: clinical testing. Allele origin: germline. Observed: 1 variant allele, 1 heterozygote.

Literature cited by the submitters: PubMed 34536170 (cited by 3 submitters); PubMed 31328266 (cited by 3 submitters); PubMed 33532864 (cited by 5 submitters); PubMed 27225849 (cited by 6 submitters); PubMed 33940108 (cited by 3 submitters); PubMed 15805161 (cited by Natera, Inc. and Victorian Clinical Genetics Services, Murdoch Childrens Research Institute); PubMed 33123899 (cited by Dasa and Labcorp Genetics (formerly Invitae), Labcorp); PubMed 12874454 (cited by Women's Health and Genetics/Laboratory Corporation of America, LabCorp and Myriad Genetics, Inc.).

NM_138694.4(PKHD1):c.9107T>G (p.Val3036Gly)

Gene: PKHD1 (PKHD1 ciliary IPT domain containing fibrocystin/polyductin; minus strand). Cytogenetic location: 6p12.3.
Variant type: single nucleotide variant.
Coding change: c.9107T>G on transcript NM_138694.4 (MANE Select); coding-DNA position 9107, T replaced by G.
Protein change: p.Val3036Gly; replaces valine 3036 with glycine.
Molecular consequence: missense variant.
Genome position (GRCh38, 1-based): chr6:51,748,509, A>C on the plus strand (T>G on the coding strand, the complement: PKHD1 is on the minus strand). VCF-style: chr6-51748509-A-C. GRCh37 (hg19) VCF-style: chr6-51613307-A-C.
Other names: c.9107T>G, p.Val3036Gly (NM_170724.3); short protein forms V3036G.
Identifiers: ClinVar variation 594333 (VCV000594333.25), dbSNP rs893497345, ClinGen allele CA138896669.